The following is an entry in ClinVar:

ClinVar aggregate classification (germline): Uncertain significance (1 of 4 stars; one submission).

Submission:

GeneDx
Classification: Uncertain significance. Last evaluated: 2024-11-14. Review status: criteria provided, single submitter. Criteria: GeneDx Variant Classification Process June 2021. Collection method: clinical testing. Allele origin: germline. Affected: yes.
Comment: Nonsense variant predicted to result in protein truncation as the last 115 amino acids are lost; Not observed at significant frequency in large population cohorts (gnomAD); Has not been previously published as pathogenic or benign to our knowledge

NM_002666.5(PLIN1):c.1223C>A (p.Ser408Ter)

Gene: PLIN1 (perilipin 1; minus strand). Cytogenetic location: 15q26.1.
Variant type: single nucleotide variant.
Coding change: c.1223C>A on transcript NM_002666.5 (MANE Select); coding-DNA position 1223, C replaced by A.
Protein change: p.Ser408Ter; replaces serine 408 with a stop codon.
Molecular consequence: nonsense.
Genome position (GRCh38, 1-based): chr15:89,665,929, G>T on the plus strand (C>A on the coding strand, the complement: PLIN1 is on the minus strand). VCF-style: chr15-89665929-G-T. GRCh37 (hg19) VCF-style: chr15-90209160-G-T.
Other names: c.1223C>A, p.Ser408Ter (NM_001145311.2); short protein forms S408*.
Identifiers: ClinVar variation 3899722 (VCV003899722.1).